The following is an entry in ClinVar:

ClinVar aggregate classification (germline): Likely pathogenic (1 of 4 stars; one submission).

Conditions:
Charcot-Marie-Tooth disease type 2. Also called: Charcot-Marie-Tooth type 2. Identifiers: Orphanet 64746, MedGen C0270914, MONDO:0018993.

Submission:

Labcorp Genetics (formerly Invitae), Labcorp
Classification: Likely pathogenic for Charcot-Marie-Tooth disease type 2. Last evaluated: 2022-11-29. Review status: criteria provided, single submitter. Criteria: Invitae Variant Classification Sherloc (09022015). Collection method: clinical testing. Allele origin: germline.
Comment: In summary, the currently available evidence indicates that the variant is pathogenic, but additional data are needed to prove that conclusively. Therefore, this variant has been classified as Likely Pathogenic. This variant disrupts the p.Arg225 amino acid residue in LMNA. Other variant(s) that disrupt this residue have been determined to be pathogenic (PMID: 22431096, 28688748). This suggests that this residue is clinically significant, and that variants that disrupt this residue are likely to be disease-causing. Advanced modeling of protein sequence and biophysical properties (such as structural, functional, and spatial information, amino acid conservation, physicochemical variation, residue mobility, and thermodynamic stability) performed at Invitae indicates that this missense variant is expected to disrupt LMNA protein function. ClinVar contains an entry for this variant (Variation ID: 1364825). This variant has not been reported in the literature in individuals affected with LMNA-related conditions. This variant is not present in population databases (gnomAD no frequency). This sequence change replaces arginine, which is basic and polar, with leucine, which is neutral and non-polar, at codon 225 of the LMNA protein (p.Arg225Leu).

Literature cited by the submitters: PubMed 22431096; PubMed 28688748.

NM_170707.4(LMNA):c.674G>T (p.Arg225Leu)

Gene: LMNA (lamin A/C; plus strand). Cytogenetic location: 1q22.
Variant type: single nucleotide variant.
Coding change: c.674G>T on transcript NM_170707.4 (MANE Select); coding-DNA position 674, G replaced by T.
Protein change: p.Arg225Leu; replaces arginine 225 with leucine.
Molecular consequence: missense variant.
Genome position (GRCh38, 1-based): chr1:156,134,839, G>T. VCF-style: chr1-156134839-G-T. GRCh37 (hg19) VCF-style: chr1-156104630-G-T.
Other names: c.338G>T, p.Arg113Leu (NM_001257374.3); c.431G>T, p.Arg144Leu (NM_001282624.2); c.674G>T, p.Arg225Leu (NM_001282625.2, NM_001282626.2, NM_005572.4 and 1 more transcripts); short protein forms R225L, R113L, R144L.
Identifiers: ClinVar variation 1364825 (VCV001364825.8), dbSNP rs199474724, ClinGen allele CA342817174.